The following is an entry in ClinVar:

ClinVar aggregate classification (germline): Benign/Likely benign. Review status: criteria provided, multiple submitters, no conflicts (2 of 4 stars). 3 submissions from 3 submitters: Benign (1); Likely benign (1). 1 of the submissions does not count toward it. Last evaluated 2026-09-01.

Conditions:
FAT2-related disorder. Also called: FAT2-related condition.

Allele frequency attached by ClinVar (database versions not stated): 1000 Genomes Project 30x 0.00109; 1000 Genomes Project 0.00140; TOPMed 0.00235; ESP Exome Variant Server 0.00292; gnomAD exomes 0.00407; ExAC 0.00417; gnomAD 0.00421 and 0.00435.
gnomAD v4.1: 5,432 of 1,608,860 alleles (0.34%); highest among the groups gnomAD compares: Non-Finnish European, 0.32%; 31 homozygotes.

Submissions (3):

CeGaT Center for Human Genetics Tuebingen
Classification: Likely benign. Last evaluated: 2026-09-01. Review status: criteria provided, single submitter. Criteria: CeGaT Center For Human Genetics Tuebingen Variant Classification Criteria Version 2. Collection method: clinical testing. Allele origin: germline. Affected: yes. Observed: 26 variant alleles.
Comment: FAT2: PP2, BP4, BS2

Labcorp Genetics (formerly Invitae), Labcorp
Classification: Benign. Last evaluated: 2026-01-27. Review status: criteria provided, single submitter. Criteria: Invitae Variant Classification Sherloc (09022015). Collection method: clinical testing. Allele origin: germline.

PreventionGenetics, part of Exact Sciences
Classification: Benign for FAT2-related condition. Last evaluated: 2019-07-08. Review status: no assertion criteria provided. Collection method: clinical testing. Allele origin: germline. Not counted in ClinVar's aggregate classification.
Comment: This variant is classified as benign based on ACMG/AMP sequence variant interpretation guidelines (Richards et al. 2015 PMID: 25741868, with internal and published modifications).

NM_001447.3(FAT2):c.10553G>A (p.Arg3518His)

Genes: FAT2 (FAT atypical cadherin 2; minus strand), SLC36A1 (solute carrier family 36 member 1; plus strand), LOC132089193 (Neanderthal introgressed variant-containing enhancer experimental_82555; plus strand). Cytogenetic location: 5q33.1.
Variant type: single nucleotide variant.
Coding change: c.10553G>A on transcript NM_001447.3 (MANE Select); coding-DNA position 10553, G replaced by A.
Protein change: p.Arg3518His; replaces arginine 3518 with histidine.
Molecular consequence: missense variant.
Genome position (GRCh38, 1-based): chr5:151,522,040, C>T on the plus strand (G>A on the coding strand, the complement: FAT2 is on the minus strand). VCF-style: chr5-151522040-C-T. GRCh37 (hg19) VCF-style: chr5-150901601-C-T.
Other names: short protein forms R3518H.
Identifiers: ClinVar variation 717651 (VCV000717651.40), dbSNP rs142353390, ClinGen allele CA3520206.
Genomic context (GRCh38, chr5:151,522,040, plus strand): 5'-ATGAAGATCTCCAGTGGGAGAGCAGAAGGTGCATAGTGGCTCTGCTCTGTGACATGGACA[C>T]GGACAGACGTCAAAGACGAGAGGGGAGGGATGCCACTGTCTGACGCCTGTGGGCAAAACA-3'
Protein context (NP_001438.1, residues 3508-3528): IPPLSSLTSV[Arg3518His]VHVTEQSHYA